The following is an entry in ClinVar:

NM_024685.4(BBS10):c.765G>A (p.Met255Ile)

Gene: BBS10 (Bardet-Biedl syndrome 10; minus strand). Cytogenetic location: 12q21.2.
Variant type: single nucleotide variant.
Coding change: c.765G>A on transcript NM_024685.4 (MANE Select); coding-DNA position 765, G replaced by A.
Protein change: p.Met255Ile; replaces methionine 255 with isoleucine.
Molecular consequence: missense variant.
Genome position (GRCh38, 1-based): chr12:76,347,220, C>T on the plus strand (G>A on the coding strand, the complement: BBS10 is on the minus strand). VCF-style: chr12-76347220-C-T. GRCh37 (hg19) VCF-style: chr12-76741000-C-T.
Other names: c.765G>A, p.Met255Ile (LRG_1255t1); short protein forms M255I.
Identifiers: ClinVar variation 235677 (VCV000235677.30), dbSNP rs139658279, ClinGen allele CA6694290.

ClinVar aggregate classification (germline): Conflicting classifications of pathogenicity. Review status: criteria provided, conflicting classifications (1 of 4 stars). 14 submissions from 14 submitters: Uncertain significance (6); Likely benign (4). 4 of the submissions do not count toward it. Last evaluated 2024-12-26.

Conditions:
BBS10-related disorder. Also called: BBS10-related condition.
Bardet-Biedl syndrome (BBS). Identifiers: Orphanet 110, MedGen C0752166, MONDO:0015229.
Bardet-Biedl syndrome 1 (BBS1). Identifiers: MedGen C2936862, MONDO:0008854, OMIM 209900. Disease mechanism: loss of function.
Bardet-Biedl syndrome 10 (BBS10). Identifiers: Orphanet 110, MedGen C1859568, MONDO:0014438, OMIM 615987.

Allele frequency attached by ClinVar (database versions not stated): ExAC 0.00059; gnomAD exomes 0.00060 and 0.00119; ESP Exome Variant Server 0.00069; gnomAD 0.00069 and 0.00072; TOPMed 0.00072.
gnomAD v4.1: 1,847 of 1,611,964 alleles (0.11%); highest among the groups gnomAD compares: Non-Finnish European, 0.14%; 2 homozygotes.

Submissions (14):

Women's Health and Genetics/Laboratory Corporation of America, LabCorp
Classification: Uncertain significance. Last evaluated: 2024-12-26. Review status: criteria provided, single submitter. Criteria: LabCorp Variant Classification Summary - May 2015. Collection method: clinical testing. Allele origin: germline.
Comment: Variant summary: BBS10 c.765G>A (p.Met255Ile) results in a conservative amino acid change in the encoded protein sequence. Five of five in-silico tools predict a benign effect of the variant on protein function. The variant allele was found at a frequency of 0.0006 in 249212 control chromosomes (gnomAD). This frequency is not significantly higher than estimated for a pathogenic variant in BBS10 causing Bardet-Biedl Syndrome (0.0006 vs 0.0012), allowing no conclusion about variant significance. c.765G>A has been reported in the literature in heterozygous individuals affected with Bardet-Biedl Syndrome or Retinitis Pigmentosa who also had biallelic variants in other genes (Hjortshoj_2010, Manara_2019, Jespersgaard_2019). These reports do not provide unequivocal conclusions about association of the variant with Bardet-Biedl Syndrome. Some of the co-occurring variants are known to be pathogenic (BBS2 c.661del, p.Leu221fs; BBS1 c.1285dup, p.Arg429fs; PROM1 c.2461C>T, p.Arg821Ter), providing supporting evidence for a benign role. To our knowledge, no experimental evidence demonstrating an impact on protein function has been reported. The following publications have been ascertained in the context of this evaluation (PMID: 20120035, 31196119, 30718709). ClinVar contains an entry for this variant (Variation ID: 235677). Based on the evidence outlined above, the variant was classified as uncertain significance.

Blueprint Genetics
Classification: Likely benign. Last evaluated: 2024-11-13. Review status: criteria provided, single submitter. Criteria: ACMG Guidelines, 2015. Collection method: clinical testing. Allele origin: germline.

Mayo Clinic Laboratories, Mayo Clinic
Classification: Uncertain significance. Last evaluated: 2024-05-29. Review status: criteria provided, single submitter. Criteria: ACMG Guidelines, 2015. Collection method: clinical testing. Allele origin: germline. Observed: 1 variant allele.

Labcorp Genetics (formerly Invitae), Labcorp
Classification: Uncertain significance for Bardet-Biedl syndrome. Last evaluated: 2022-11-02. Review status: criteria provided, single submitter. Criteria: Invitae Variant Classification Sherloc (09022015). Collection method: clinical testing. Allele origin: germline.
Comment: This sequence change replaces methionine, which is neutral and non-polar, with isoleucine, which is neutral and non-polar, at codon 255 of the BBS10 protein (p.Met255Ile). This variant is present in population databases (rs139658279, gnomAD 0.1%), and has an allele count higher than expected for a pathogenic variant. This missense change has been observed in individual(s) with Bardet-Biedl syndrome (PMID: 20120035). ClinVar contains an entry for this variant (Variation ID: 235677). Advanced modeling of protein sequence and biophysical properties (such as structural, functional, and spatial information, amino acid conservation, physicochemical variation, residue mobility, and thermodynamic stability) performed at Invitae indicates that this missense variant is not expected to disrupt BBS10 protein function. In summary, the available evidence is currently insufficient to determine the role of this variant in disease. Therefore, it has been classified as a Variant of Uncertain Significance.

GeneDx
Classification: Uncertain significance. Last evaluated: 2022-06-08. Review status: criteria provided, single submitter. Criteria: GeneDx Variant Classification Process June 2021. Collection method: clinical testing. Allele origin: germline. Affected: yes.
Comment: In silico analysis supports that this missense variant does not alter protein structure/function; Identified in individuals with Bardet-Biedl syndrome in published literature who were found to have an alternate molecular basis for their phenotype (Manara et al., 2019; Hjortshoj et al., 2010); This variant is associated with the following publications: (PMID: 20120035, 31196119)

Clinical Genetics DNA and cytogenetics Diagnostics Lab, Erasmus MC, Erasmus Medical Center
Classification: Likely benign for Bardet-Biedl syndrome 1. Last evaluated: 2017-05-31. Review status: criteria provided, single submitter. Criteria: ACGS Guidelines, 2013. Collection method: clinical testing. Allele origin: germline. Affected: yes. Study: VKGL Data-share Consensus.

Illumina Laboratory Services, Illumina
Classification: Uncertain significance for Bardet-Biedl syndrome 10. Last evaluated: 2017-04-27. Review status: criteria provided, single submitter. Criteria: ICSL Variant Classification Criteria 13 December 2019. Collection method: clinical testing. Allele origin: germline.

Genome Diagnostics Laboratory, University Medical Center Utrecht
Classification: Likely benign for Bardet-Biedl syndrome 1. Last evaluated: 2016-05-04. Review status: criteria provided, single submitter. Criteria: ACGS Guidelines, 2013. Collection method: clinical testing. Allele origin: germline. Affected: yes. Study: VKGL Data-share Consensus.

Center for Pediatric Genomic Medicine, Children's Mercy Hospital and Clinics
Classification: Likely benign. Last evaluated: 2016-01-18. Review status: criteria provided, single submitter. Criteria: ACMG Guidelines, 2015. Collection method: clinical testing. Allele origin: germline.
ClinVar note: Converted during submission from Likely Benign to Likely benign.

Eurofins Ntd Llc (ga)
Classification: Uncertain significance. Last evaluated: 2015-09-19. Review status: criteria provided, single submitter. Criteria: EGL Classification Definitions 2015. Collection method: clinical testing. Allele origin: germline. Observed: 2 variant alleles, 2 heterozygotes.

PreventionGenetics, part of Exact Sciences
Classification: Likely benign for BBS10-related condition. Last evaluated: 2024-09-17. Review status: no assertion criteria provided. Collection method: clinical testing. Allele origin: germline. Not counted in ClinVar's aggregate classification.
Comment: This variant is classified as likely benign based on ACMG/AMP sequence variant interpretation guidelines (Richards et al. 2015 PMID: 25741868, with internal and published modifications).

Natera, Inc.
Classification: Uncertain significance for Bardet-Biedl syndrome type 10. Last evaluated: 2019-12-18. Review status: no assertion criteria provided. Collection method: clinical testing. Allele origin: germline. Not counted in ClinVar's aggregate classification.

Counsyl
Classification: Uncertain significance for Bardet-Biedl syndrome 10. Last evaluated: 2017-05-26. Review status: no assertion criteria provided. Collection method: clinical testing. Allele origin: unknown. Not counted in ClinVar's aggregate classification.

Clinical Genetics, Academic Medical Center
Classification: Benign. Review status: no assertion criteria provided. Collection method: clinical testing. Allele origin: germline. Affected: yes. Study: VKGL Data-share Consensus. Not counted in ClinVar's aggregate classification.

Literature cited by the submitters: PubMed 20120035 (cited by 4 submitters); PubMed 30718709 (cited by Women's Health and Genetics/Laboratory Corporation of America, LabCorp); PubMed 31196119 (cited by Women's Health and Genetics/Laboratory Corporation of America, LabCorp and Mayo Clinic Laboratories, Mayo Clinic).